The following is an entry in ClinVar:

ClinVar aggregate classification (germline): Conflicting classifications of pathogenicity. Review status: criteria provided, conflicting classifications (1 of 4 stars). 5 submissions from 5 submitters: Uncertain significance (4); Likely benign (1). Last evaluated 2026-05-22.

Conditions:
Cardiovascular phenotype. Identifiers: MedGen CN230736.
Familial hypercholesterolemia. Also called: Familial hypercholesterolemias; Familial hypercholesterolaemia. Identifiers: MedGen C0020445, MONDO:0005439.
Hypercholesterolemia, autosomal dominant, type B (FHCL2). Also called: APOLIPOPROTEIN B-100, FAMILIAL DEFECTIVE; APOLIPOPROTEIN B-100, FAMILIAL LIGAND-DEFECTIVE; APOB-Related Familial Hypercholesterolemia, Autosomal Dominant; Hyperlipoproteinemia Type IIb; Familial Hypercholesterolemia Type B; HYPERCHOLESTEROLEMIA, FAMILIAL, DUE TO LIGAND-DEFECTIVE APOLIPOPROTEIN B. Identifiers: MedGen C1704417, MONDO:0007751, OMIM 144010.
Familial hypobetalipoproteinemia 1. Also called: APOB-Related Familial Hypobetalipoproteinemia; Hypobetalipoproteinemia, normotriglyceridemic; Acanthocytosis with hypobetalipoproteinemia. Identifiers: MedGen C4551990, MONDO:0014252, OMIM 615558.

Allele frequency attached by ClinVar (database versions not stated): TOPMed 0.00001; ExAC 0.00002; gnomAD 0.00002; gnomAD exomes 0.00002 and 0.00004.
gnomAD v4.1: 67 of 1,613,972 alleles (0.0042%); highest among the groups gnomAD compares: Non-Finnish European, 0.005%; no homozygotes.

Submissions (5):

Cambridge Genomics Laboratory, East Genomic Laboratory Hub, NHS Genomic Medicine Service
Classification: Uncertain significance for Familial hypercholesterolaemia. Last evaluated: 2026-05-22. Review status: criteria provided, single submitter. Criteria: ACGS Best Practice Guidelines for Variant Classification in Rare Disease 2020. Collection method: clinical testing. Allele origin: germline. Affected: yes.
Comment: PM2_Supporting,PP4

Labcorp Genetics (formerly Invitae), Labcorp
Classification: Likely benign for Familial hypobetalipoproteinemia 1; Hypercholesterolemia, autosomal dominant, type B. Last evaluated: 2026-01-17. Review status: criteria provided, single submitter. Criteria: Invitae Variant Classification Sherloc (09022015). Collection method: clinical testing. Allele origin: germline.

Women's Health and Genetics/Laboratory Corporation of America, LabCorp
Classification: Uncertain significance. Last evaluated: 2025-10-13. Review status: criteria provided, single submitter. Criteria: LabCorp Variant Classification Summary - May 2015. Collection method: clinical testing. Allele origin: germline.

Ambry Genetics
Classification: Uncertain significance for Cardiovascular phenotype. Last evaluated: 2025-08-09. Review status: criteria provided, single submitter. Criteria: Ambry Variant Classification Scheme 2023. Collection method: clinical testing. Allele origin: germline.
Comment: The p.I3492T variant (also known as c.10475T>C), located in coding exon 26 of the APOB gene, results from a T to C substitution at nucleotide position 10475. The isoleucine at codon 3492 is replaced by threonine, an amino acid with similar properties. This amino acid position is conserved. In addition, this alteration is predicted to be tolerated by in silico analysis. Since supporting evidence is limited at this time, the clinical significance of this alteration remains unclear.

GeneDx
Classification: Uncertain significance. Last evaluated: 2024-12-07. Review status: criteria provided, single submitter. Criteria: GeneDx Variant Classification Process June 2021. Collection method: clinical testing. Allele origin: germline. Affected: yes.
Comment: Not observed at significant frequency in large population cohorts (gnomAD); In silico analysis supports that this missense variant has a deleterious effect on protein structure/function; Has not been previously published as pathogenic or benign to our knowledge

NM_000384.3(APOB):c.10475T>C (p.Ile3492Thr)

Gene: APOB (apolipoprotein B; minus strand). Cytogenetic location: 2p24.1.
Variant type: single nucleotide variant.
Coding change: c.10475T>C on transcript NM_000384.3 (MANE Select); coding-DNA position 10475, T replaced by C.
Protein change: p.Ile3492Thr; replaces isoleucine 3492 with threonine.
Molecular consequence: missense variant.
Genome position (GRCh38, 1-based): chr2:21,006,393, A>G on the plus strand (T>C on the coding strand, the complement: APOB is on the minus strand). VCF-style: chr2-21006393-A-G. GRCh37 (hg19) VCF-style: chr2-21229265-A-G.
Other names: short protein forms I3492T.
Identifiers: ClinVar variation 630258 (VCV000630258.24), dbSNP rs779283285, ClinGen allele CA043608.